The following is an entry in ClinVar:

ClinVar aggregate classification (germline): Likely pathogenic (1 of 4 stars; one submission).

Conditions:
Osteogenesis imperfecta type I (OI1). Also called: OI, TYPE I; OSTEOGENESIS IMPERFECTA TARDA; OSTEOGENESIS IMPERFECTA WITH BLUE SCLERAE; Osteogenesis imperfecta type 1; Lobstein disease; Lobstein's Disease. Identifiers: Orphanet 216796, Orphanet 666, MedGen C0023931, MONDO:0008146, OMIM 166200. Disease mechanism: loss of function.

Submission:

Labcorp Genetics (formerly Invitae), Labcorp
Classification: Likely pathogenic for Osteogenesis imperfecta type I. Last evaluated: 2022-10-07. Review status: criteria provided, single submitter. Criteria: Invitae Variant Classification Sherloc (09022015). Collection method: clinical testing. Allele origin: germline.
Comment: This missense change has been observed in individuals with osteogenesis imperfecta (PMID: 27577215; Invitae). It has also been observed to segregate with disease in related individuals. This variant is not present in population databases (gnomAD no frequency). This sequence change replaces isoleucine, which is neutral and non-polar, with serine, which is neutral and polar, at codon 1398 of the COL1A1 protein (p.Ile1398Ser). In summary, the currently available evidence indicates that the variant is pathogenic, but additional data are needed to prove that conclusively. Therefore, this variant has been classified as Likely Pathogenic. Advanced modeling of protein sequence and biophysical properties (such as structural, functional, and spatial information, amino acid conservation, physicochemical variation, residue mobility, and thermodynamic stability) has been performed at Invitae for this missense variant, however the output from this modeling did not meet the statistical confidence thresholds required to predict the impact of this variant on COL1A1 protein function.

Literature cited by the submitters: PubMed 27577215.

NM_000088.4(COL1A1):c.4193T>G (p.Ile1398Ser)

Gene: COL1A1 (collagen type I alpha 1 chain; minus strand). Cytogenetic location: 17q21.33.
Variant type: single nucleotide variant.
Coding change: c.4193T>G on transcript NM_000088.4 (MANE Select); coding-DNA position 4193, T replaced by G.
Protein change: p.Ile1398Ser; replaces isoleucine 1398 with serine.
Molecular consequence: missense variant.
Genome position (GRCh38, 1-based): chr17:50,185,833, A>C on the plus strand (T>G on the coding strand, the complement: COL1A1 is on the minus strand). VCF-style: chr17-50185833-A-C. GRCh37 (hg19) VCF-style: chr17-48263194-A-C.
Other names: short protein forms I1398S.
Identifiers: ClinVar variation 2138065 (VCV002138065.4), dbSNP rs2509155661, ClinGen allele CA400191667.
Genomic context (GRCh38, chr17:50,185,833, plus strand): 5'-CTCACCGTGCAGCCATCGACAGTGACGCTGTAGGTGAAGCGGCTGTTGCCCTCGGCGCGG[A>C]TCTCGATCTCGTTGGAGCCCTGGAGGAGCAGGGCCTTCTTGAGGTTGCCAGTCTGCTGGT-3'
Protein context (NP_000079.2, residues 1388-1408): LLLQGSNEIE[Ile1398Ser]RAEGNSRFTY